The following is an entry in ClinVar:

ClinVar aggregate classification (germline): Uncertain significance (1 of 4 stars; one submission).

Conditions:
Autosomal dominant auditory neuropathy 1. Also called: AUDITORY NEUROPATHY, NONSYNDROMIC DOMINANT. Identifiers: Orphanet 90635, MedGen C1836743, MONDO:0012196, OMIM 609129.

Submission:

Laboratorio de Genetica e Diagnostico Molecular, Hospital Israelita Albert Einstein
Classification: Uncertain significance for Autosomal dominant auditory neuropathy 1. Last evaluated: 2024-05-23. Review status: criteria provided, single submitter. Criteria: ACMG Guidelines, 2015. Collection method: clinical testing. Allele origin: germline. Affected: yes.
Comment: ACMG classification criteria: PM2 supporting, PP3 supporting

NM_001042517.2(DIAPH3):c.1385A>T (p.Asp462Val)

Gene: DIAPH3 (diaphanous related formin 3; minus strand). Cytogenetic location: 13q21.2.
Variant type: single nucleotide variant.
Coding change: c.1385A>T on transcript NM_001042517.2 (MANE Select); coding-DNA position 1385, A replaced by T.
Protein change: p.Asp462Val; replaces aspartic acid 462 with valine.
Molecular consequence: missense variant.
Genome position (GRCh38, 1-based): chr13:59,983,864, T>A on the plus strand (A>T on the coding strand, the complement: DIAPH3 is on the minus strand). VCF-style: chr13-59983864-T-A. GRCh37 (hg19) VCF-style: chr13-60557998-T-A.
Other names: c.1352A>T, p.Asp451Val (NM_001258366.2); c.1247A>T, p.Asp416Val (NM_001258367.2); c.1175A>T, p.Asp392Val (NM_001258368.2); c.1385A>T, p.Asp462Val (NM_001258369.2); c.596A>T, p.Asp199Val (NM_001258370.2, NM_030932.4); short protein forms D199V, D392V, D416V, D451V, D462V.
Identifiers: ClinVar variation 3901949 (VCV003901949.1).